The following is an entry in ClinVar:

ClinVar aggregate classification (germline): Uncertain significance. Review status: criteria provided, multiple submitters, no conflicts (2 of 4 stars). 2 submissions from 2 submitters: Uncertain significance (2). Last evaluated 2023-10-03.

Allele frequency attached by ClinVar (database versions not stated): ExAC 0.00001; gnomAD 0.00001; gnomAD exomes 0.00001; TOPMed 0.00001.
gnomAD v4.1: 12 of 1,614,028 alleles (0.00074%); highest among the groups gnomAD compares: South Asian, 0.0022%; 1 homozygote.

Submissions (2):

Labcorp Genetics (formerly Invitae), Labcorp
Classification: Uncertain significance. Last evaluated: 2023-10-03. Review status: criteria provided, single submitter. Criteria: Invitae Variant Classification Sherloc (09022015). Collection method: clinical testing. Allele origin: germline.
Comment: This sequence change replaces proline, which is neutral and non-polar, with leucine, which is neutral and non-polar, at codon 223 of the MERTK protein (p.Pro223Leu). This variant is present in population databases (rs765685308, gnomAD 0.007%). This variant has not been reported in the literature in individuals affected with MERTK-related conditions. ClinVar contains an entry for this variant (Variation ID: 2079623). Advanced modeling of protein sequence and biophysical properties (such as structural, functional, and spatial information, amino acid conservation, physicochemical variation, residue mobility, and thermodynamic stability) performed at Invitae indicates that this missense variant is not expected to disrupt MERTK protein function. In summary, the available evidence is currently insufficient to determine the role of this variant in disease. Therefore, it has been classified as a Variant of Uncertain Significance.

Blueprint Genetics
Classification: Uncertain significance. Last evaluated: 2018-03-02. Review status: criteria provided, single submitter. Criteria: ACMG Guidelines, 2015. Collection method: clinical testing. Allele origin: germline.

NM_006343.3(MERTK):c.668C>T (p.Pro223Leu)

Gene: MERTK (MER proto-oncogene, tyrosine kinase; plus strand). Cytogenetic location: 2q13.
Variant type: single nucleotide variant.
Coding change: c.668C>T on transcript NM_006343.3 (MANE Select); coding-DNA position 668, C replaced by T.
Protein change: p.Pro223Leu; replaces proline 223 with leucine.
Molecular consequence: missense variant.
Genome position (GRCh38, 1-based): chr2:111,947,478, C>T. VCF-style: chr2-111947478-C-T. GRCh37 (hg19) VCF-style: chr2-112705055-C-T.
Other names: short protein forms P223L.
Identifiers: ClinVar variation 2079623 (VCV002079623.5), dbSNP rs765685308, ClinGen allele CA1831120.